The following is an entry in ClinVar:

ClinVar aggregate classification (germline): Uncertain significance. Review status: criteria provided, multiple submitters, no conflicts (2 of 4 stars). 3 submissions from 3 submitters: Uncertain significance (3). Last evaluated 2025-08-25.

Conditions:
KIAA0586-related disorder. Also called: KIAA0586- Related disorders; KIAA0586-related condition.
Inborn genetic diseases. Identifiers: MedGen C0950123, MeSH D030342.
Short-rib thoracic dysplasia 14 with polydactyly (SRTD14). Identifiers: Orphanet 397715, MedGen C4225286, MONDO:0014688, OMIM 616546.
Joubert syndrome 23 (JBTS23). Identifiers: Orphanet 475, MedGen C4084822, MONDO:0014664, OMIM 616490.

Allele frequency attached by ClinVar (database versions not stated): gnomAD exomes 0.00001 and 0.00003; ExAC 0.00005; gnomAD 0.00006; TOPMed 0.00006.
gnomAD v4.1: 26 of 1,606,458 alleles (0.0016%); highest among the groups gnomAD compares: African/African-American, 0.017%; no homozygotes.

Submissions (3):

Ambry Genetics
Classification: Uncertain significance for Inborn genetic diseases. Last evaluated: 2025-08-25. Review status: criteria provided, single submitter. Criteria: Ambry Variant Classification Scheme 2023. Collection method: clinical testing. Allele origin: germline.

PreventionGenetics, part of Exact Sciences
Classification: Uncertain significance for KIAA0586-related condition. Last evaluated: 2025-06-16. Review status: criteria provided, single submitter. Criteria: ACMG Guidelines, 2015. Collection method: clinical testing. Allele origin: germline.
Comment: The KIAA0586 c.727G>A variant is predicted to result in the amino acid substitution p.Ala243Thr. To our knowledge, this variant has not been reported in the literature. This variant is reported in 0.026% of alleles in individuals of African descent in gnomAD. At this time, the clinical significance of this variant is uncertain due to the absence of conclusive functional and genetic evidence.

Labcorp Genetics (formerly Invitae), Labcorp
Classification: Uncertain significance for Joubert syndrome 23; Short-rib thoracic dysplasia 14 with polydactyly. Last evaluated: 2022-04-03. Review status: criteria provided, single submitter. Criteria: Invitae Variant Classification Sherloc (09022015). Collection method: clinical testing. Allele origin: germline.
Comment: This sequence change replaces alanine, which is neutral and non-polar, with threonine, which is neutral and polar, at codon 243 of the KIAA0586 protein (p.Ala243Thr). This variant is present in population databases (rs755205238, gnomAD 0.03%). This variant has not been reported in the literature in individuals affected with KIAA0586-related conditions. Algorithms developed to predict the effect of missense changes on protein structure and function are either unavailable or do not agree on the potential impact of this missense change (SIFT: "Tolerated"; PolyPhen-2: "Possibly Damaging"; Align-GVGD: "Class C0"). In summary, the available evidence is currently insufficient to determine the role of this variant in disease. Therefore, it has been classified as a Variant of Uncertain Significance.

NM_001329943.3(KIAA0586):c.568G>A (p.Ala190Thr)

Gene: KIAA0586 (KIAA0586; plus strand). Cytogenetic location: 14q23.1.
Variant type: single nucleotide variant.
Coding change: c.568G>A on transcript NM_001329943.3 (MANE Select); coding-DNA position 568, G replaced by A.
Protein change: p.Ala190Thr; replaces alanine 190 with threonine.
Molecular consequence: missense variant.
Genome position (GRCh38, 1-based): chr14:58,442,863, G>A. VCF-style: chr14-58442863-G-A. GRCh37 (hg19) VCF-style: chr14-58909581-G-A.
Other names: c.727G>A, p.Ala243Thr (NM_001244189.2); c.523G>A, p.Ala175Thr (NM_001244190.2); c.313G>A, p.Ala105Thr (NM_001244191.2, NM_001329945.2, NM_001364700.1 and 1 more transcripts); c.436G>A, p.Ala146Thr (NM_001244192.2); c.148G>A, p.Ala50Thr (NM_001244193.2); c.568G>A, p.Ala190Thr (NM_001329944.2, NM_001329946.2, NM_001329947.2 and 1 more transcripts); c.568G>A (NM_014749.3); c.727G>A (NM_001244189.1); short protein forms A105T, A243T, A146T, A175T, A190T, A50T.
Identifiers: ClinVar variation 1411935 (VCV001411935.7), dbSNP rs755205238, ClinGen allele CA7205424.